The following is an entry in ClinVar:

ClinVar aggregate classification (germline): Pathogenic. Review status: criteria provided, multiple submitters, no conflicts (2 of 4 stars). 2 submissions from 2 submitters: Pathogenic (2). Last evaluated 2024-04-15.

Conditions:
ATP2C1-related disorder. Also called: ATP2C1-related condition.

gnomAD v4.1: 3 of 1,612,176 alleles (0.00019%); highest among the groups gnomAD compares: Non-Finnish European, 0.00025%; no homozygotes.

Submissions (2):

Labcorp Genetics (formerly Invitae), Labcorp
Classification: Pathogenic. Last evaluated: 2024-04-15. Review status: criteria provided, single submitter. Criteria: Invitae Variant Classification Sherloc (09022015). Collection method: clinical testing. Allele origin: germline.
Comment: This sequence change creates a premature translational stop signal (p.Arg806*) in the ATP2C1 gene. It is expected to result in an absent or disrupted protein product. Loss-of-function variants in ATP2C1 are known to be pathogenic (PMID: 10615129, 10767338, 11841554). This variant is present in population databases (no rsID available, gnomAD 0.007%). This premature translational stop signal has been observed in individual(s) with Hailey-Hailey disease (PMID: 11841554, 28035777). Algorithms developed to predict the effect of sequence changes on RNA splicing suggest that this variant may disrupt the consensus splice site. For these reasons, this variant has been classified as Pathogenic.

Blueprint Genetics
Classification: Pathogenic for ATP2C1-related disorders. Last evaluated: 2021-04-30. Review status: criteria provided, single submitter. Criteria: ACMG Guidelines, 2015. Collection method: clinical testing. Allele origin: germline. Affected: yes. Observed: 1 variant allele.

Literature cited by the submitters: PubMed 10615129 (cited by Labcorp Genetics (formerly Invitae), Labcorp); PubMed 10767338 (cited by Labcorp Genetics (formerly Invitae), Labcorp); PubMed 11841554 (cited by Labcorp Genetics (formerly Invitae), Labcorp); PubMed 28035777 (cited by Labcorp Genetics (formerly Invitae), Labcorp).

NM_001378687.1(ATP2C1):c.2416C>T (p.Arg806Ter)

Gene: ATP2C1 (ATPase secretory pathway Ca2+ transporting 1; plus strand). Cytogenetic location: 3q22.1.
Variant type: single nucleotide variant.
Coding change: c.2416C>T on transcript NM_001378687.1 (MANE Select); coding-DNA position 2416, C replaced by T.
Protein change: p.Arg806Ter; replaces arginine 806 with a stop codon.
Molecular consequence: nonsense.
Genome position (GRCh38, 1-based): chr3:130,998,318, C>T. VCF-style: chr3-130998318-C-T. GRCh37 (hg19) VCF-style: chr3-130717162-C-T.
Other names: c.2416C>T, p.Arg806Ter (NM_001001485.3, NM_001001486.2, NM_001001487.2 and 5 more transcripts); c.2518C>T, p.Arg840Ter (NM_001199180.2, NM_001199181.3, NM_001378511.1); c.2401C>T, p.Arg801Ter (NM_001199182.2); c.2368C>T, p.Arg790Ter (NM_001199183.2, NM_001199184.3, NM_001378514.1); short protein forms R790*, R801*, R806*, R840*.
Identifiers: ClinVar variation 3720537 (VCV003720537.3).